The following is an entry in ClinVar:

ClinVar aggregate classification (germline): Uncertain significance. Review status: criteria provided, multiple submitters, no conflicts (2 of 4 stars). 3 submissions from 3 submitters: Uncertain significance (3). Last evaluated 2025-10-07.

Conditions:
Hereditary cancer-predisposing syndrome. Also called: Tumor predisposition; Hereditary Cancer Syndrome; Neoplastic Syndromes, Hereditary; Hereditary neoplastic syndrome. Identifiers: Orphanet 140162, MedGen C0027672, MeSH D009386, MONDO:0015356.
Hereditary nonpolyposis colorectal neoplasms. Identifiers: MedGen C0009405, MeSH D003123.

Submissions (3):

Color Diagnostics, LLC DBA Color Health
Classification: Uncertain significance for Hereditary cancer-predisposing syndrome. Last evaluated: 2025-10-07. Review status: criteria provided, single submitter. Criteria: ACMG Guidelines, 2015. Collection method: clinical testing. Allele origin: germline.
Comment: This missense variant replaces arginine with lysine at codon 945 of the MSH6 protein. Computational prediction suggests that this variant may not impact protein structure and function. To our knowledge, functional studies have not been reported for this variant. This variant has not been reported in individuals affected with MSH6-related disorders in the literature. This variant has not been identified in the general population by the Genome Aggregation Database (gnomAD). The available evidence is insufficient to determine the role of this variant in disease conclusively. Therefore, this variant is classified as a Variant of Uncertain Significance.

Labcorp Genetics (formerly Invitae), Labcorp
Classification: Uncertain significance for Hereditary nonpolyposis colorectal neoplasms. Last evaluated: 2021-12-24. Review status: criteria provided, single submitter. Criteria: Invitae Variant Classification Sherloc (09022015). Collection method: clinical testing. Allele origin: germline.
Comment: This sequence change replaces arginine, which is basic and polar, with lysine, which is basic and polar, at codon 945 of the MSH6 protein (p.Arg945Lys). This variant is not present in population databases (gnomAD no frequency). This variant has not been reported in the literature in individuals affected with MSH6-related conditions. Advanced modeling of protein sequence and biophysical properties (such as structural, functional, and spatial information, amino acid conservation, physicochemical variation, residue mobility, and thermodynamic stability) performed at Invitae indicates that this missense variant is not expected to disrupt MSH6 protein function. In summary, the available evidence is currently insufficient to determine the role of this variant in disease. Therefore, it has been classified as a Variant of Uncertain Significance.

Ambry Genetics
Classification: Uncertain significance for Hereditary cancer-predisposing syndrome. Last evaluated: 2018-12-20. Review status: criteria provided, single submitter. Criteria: Ambry Variant Classification Scheme 2023. Collection method: clinical testing. Allele origin: germline.
Comment: The p.R945K variant (also known as c.2834G>A), located in coding exon 4 of the MSH6 gene, results from a G to A substitution at nucleotide position 2834. The arginine at codon 945 is replaced by lysine, an amino acid with highly similar properties. This amino acid position is not well conserved in available vertebrate species. In addition, this alteration is predicted to be tolerated by in silico analysis. In addition, the CoDP in silico tool predicts this alteration to have a minor impact on molecular function, with a score of 0.014 (Terui H et al. J. Biomed. Sci. 2013 Apr;20:25). Since supporting evidence is limited at this time, the clinical significance of this alteration remains unclear.

NM_000179.3(MSH6):c.2834G>A (p.Arg945Lys)

Gene: MSH6 (mutS homolog 6; plus strand). Cytogenetic location: 2p16.3.
Variant type: single nucleotide variant.
Coding change: c.2834G>A on transcript NM_000179.3 (MANE Select); coding-DNA position 2834, G replaced by A.
Protein change: p.Arg945Lys; replaces arginine 945 with lysine.
Molecular consequence: missense variant.
Genome position (GRCh38, 1-based): chr2:47,800,817, G>A. VCF-style: chr2-47800817-G-A. GRCh37 (hg19) VCF-style: chr2-48027956-G-A.
Other names: c.2444G>A, p.Arg815Lys (NM_001281492.2); c.1928G>A, p.Arg643Lys (NM_001281493.2, NM_001281494.2, NM_001406811.1 and 6 more transcripts); c.2930G>A, p.Arg977Lys (NM_001406795.1, NM_001406802.1); c.2834G>A, p.Arg945Lys (NM_001406796.1, NM_001406798.1, NM_001406800.1 and 2 more transcripts); c.2537G>A, p.Arg846Lys (NM_001406797.1, NM_001406801.1, NM_001406805.1 and 10 more transcripts); c.2309G>A, p.Arg770Lys (NM_001406799.1, NM_001406806.1, NM_001406807.1); c.2756G>A, p.Arg919Lys (NM_001406804.1); c.2840G>A, p.Arg947Lys (NM_001406813.1); and 2 more; short protein forms R815K, R846K, R770K, R945K, R260K, R643K, R889K, R919K.
Identifiers: ClinVar variation 1796626 (VCV001796626.7), dbSNP rs2104426312, ClinGen allele CA346755740.